The following is an entry in ClinVar:

ClinVar aggregate classification (germline): Likely benign (1 of 4 stars; one submission).

Allele frequency attached by ClinVar (database versions not stated): gnomAD exomes 0.00005; ExAC 0.00012; ESP Exome Variant Server 0.00038; gnomAD 0.00038; TOPMed 0.00048.

Submission:

CeGaT Center for Human Genetics Tuebingen
Classification: Likely benign. Last evaluated: 2022-09-01. Review status: criteria provided, single submitter. Criteria: CeGaT Center For Human Genetics Tuebingen Variant Classification Criteria Version 2. Collection method: clinical testing. Allele origin: germline. Affected: yes. Observed: 1 variant allele.
Comment: ZNF493: BP4, BP7

NM_001076678.3(ZNF493):c.609T>A (p.Ile203=)

Gene: ZNF493 (zinc finger protein 493; plus strand). Cytogenetic location: 19p12.
Variant type: single nucleotide variant.
Coding change: c.609T>A on transcript NM_001076678.3 (MANE Select); coding-DNA position 609, T replaced by A.
Protein change: p.Ile203=; no amino-acid change (isoleucine 203 retained).
Molecular consequence: synonymous variant.
Genome position (GRCh38, 1-based): chr19:21,423,268, T>A. VCF-style: chr19-21423268-T-A. GRCh37 (hg19) VCF-style: chr19-21606070-T-A.
Other names: c.225T>A, p.Ile75= (NM_175910.7).
Identifiers: ClinVar variation 2649621 (VCV002649621.24), dbSNP rs140677584, ClinGen allele CA9339394.